The following is an entry in ClinVar:

ClinVar aggregate classification (germline): Uncertain significance. Review status: criteria provided, multiple submitters, no conflicts (2 of 4 stars). 2 submissions from 2 submitters: Uncertain significance (2). Last evaluated 2025-09-28.

Conditions:
TCF20-related disorder. Also called: TCF20-related condition.
Inborn genetic diseases. Identifiers: MedGen C0950123, MeSH D030342.

Allele frequency attached by ClinVar (database versions not stated): TOPMed below 0.00001; gnomAD 0.00001; gnomAD exomes 0.00001.
gnomAD v4.1: 5 of 1,614,104 alleles (0.00031%); highest among the groups gnomAD compares: Non-Finnish European, 0.00042%; no homozygotes.

Submissions (2):

PreventionGenetics, part of Exact Sciences
Classification: Uncertain significance for TCF20-related condition. Last evaluated: 2025-09-28. Review status: criteria provided, single submitter. Criteria: ACMG Guidelines, 2015. Collection method: clinical testing. Allele origin: germline.
Comment: The TCF20 c.2857C>A variant is predicted to result in the amino acid substitution p.Pro953Thr. To our knowledge, this variant has not been reported in the literature or in a large population database (gnomAD), indicating this variant is rare. At this time, the clinical significance of this variant is uncertain due to the absence of conclusive functional and genetic evidence.

Ambry Genetics
Classification: Uncertain significance for Inborn genetic diseases. Last evaluated: 2023-12-16. Review status: criteria provided, single submitter. Criteria: Ambry Variant Classification Scheme 2023. Collection method: clinical testing. Allele origin: germline.

NM_001378418.1(TCF20):c.2857C>A (p.Pro953Thr)

Gene: TCF20 (transcription factor 20; minus strand). Cytogenetic location: 22q13.2.
Variant type: single nucleotide variant.
Coding change: c.2857C>A on transcript NM_001378418.1 (MANE Select); coding-DNA position 2857, C replaced by A.
Protein change: p.Pro953Thr; replaces proline 953 with threonine.
Molecular consequence: missense variant.
Genome position (GRCh38, 1-based): chr22:42,212,449, G>T on the plus strand (C>A on the coding strand, the complement: TCF20 is on the minus strand). VCF-style: chr22-42212449-G-T. GRCh37 (hg19) VCF-style: chr22-42608455-G-T.
Other names: c.2857C>A (NM_005650.3); c.2857C>A, p.Pro953Thr (NM_005650.4, NM_181492.3); short protein forms P953T.
Identifiers: ClinVar variation 3175116 (VCV003175116.2), dbSNP rs1921074516, ClinGen allele CA411787736.